The following is an entry in ClinVar:

NM_000038.6(APC):c.1691G>A (p.Arg564Gln)

Gene: APC (APC regulator of Wnt signaling pathway; plus strand). Cytogenetic location: 5q22.2.
Variant type: single nucleotide variant.
Coding change: c.1691G>A on transcript NM_000038.6 (MANE Select); coding-DNA position 1691, G replaced by A.
Protein change: p.Arg564Gln; replaces arginine 564 with glutamine.
Molecular consequence: missense variant.
Genome position (GRCh38, 1-based): chr5:112,828,920, G>A. VCF-style: chr5-112828920-G-A. GRCh37 (hg19) VCF-style: chr5-112164617-G-A.
Other names: c.1691G>A, p.Arg564Gln (NM_001127510.3, NM_001354895.2); c.1637G>A, p.Arg546Gln (NM_001127511.3); c.1745G>A, p.Arg582Gln (NM_001354896.2); c.1721G>A, p.Arg574Gln (NM_001354897.2); c.1616G>A, p.Arg539Gln (NM_001354898.2); c.1607G>A, p.Arg536Gln (NM_001354899.2); c.1568G>A, p.Arg523Gln (NM_001354900.2); c.1514G>A, p.Arg505Gln (NM_001354901.2); and 5 more; short protein forms R546Q, R564Q, R463Q, R473Q, R536Q, R539Q, R281Q, R438Q.
Identifiers: ClinVar variation 233448 (VCV000233448.33), dbSNP rs747418061, ClinGen allele CA029022.

ClinVar aggregate classification (germline): Conflicting classifications of pathogenicity. Review status: criteria provided, conflicting classifications (1 of 4 stars). 9 submissions from 9 submitters: Uncertain significance (6); Likely benign (3). Last evaluated 2026-02-23.

Conditions:
Classic or attenuated familial adenomatous polyposis. Identifiers: MedGen CN372698, MONDO:0021057.
Hereditary cancer-predisposing syndrome. Also called: Tumor predisposition; Neoplastic Syndromes, Hereditary; Hereditary Cancer Syndrome; Hereditary neoplastic syndrome. Identifiers: Orphanet 140162, MedGen C0027672, MeSH D009386, MONDO:0015356.
Familial adenomatous polyposis 1 (FAP1). Also called: FAMILIAL ADENOMATOUS POLYPOSIS 1, ATTENUATED; POLYPOSIS, ADENOMATOUS INTESTINAL. Identifiers: MedGen C2713442, MONDO:0021056, OMIM 175100. Disease mechanism: loss of function.

Allele frequency attached by ClinVar (database versions not stated): TOPMed below 0.00001; gnomAD 0.00001; gnomAD exomes 0.00001 and 0.00003; ExAC 0.00003.
gnomAD v4.1: 24 of 1,613,812 alleles (0.0015%); highest among the groups gnomAD compares: East Asian, 0.013%; no homozygotes.

Submissions (9):

Women's Health and Genetics/Laboratory Corporation of America, LabCorp
Classification: Uncertain significance. Last evaluated: 2026-02-23. Review status: criteria provided, single submitter. Criteria: LabCorp Variant Classification Summary - May 2015. Collection method: clinical testing. Allele origin: germline.
Comment: Variant summary: APC c.1691G>A (p.Arg564Gln) results in a conservative amino acid change located in the Armadillo repeat of the encoded protein sequence. Algorithms developed to predict the effect of missense changes on protein structure and function are either unavailable or do not agree on the potential impact of this missense change. The variant allele was found at a frequency of 3.2e-05 in 251308 control chromosomes. The available data on variant occurrences in the general population are insufficient to allow any conclusion about variant significance. c.1691G>A has been reported in the literature in individuals undergoing cancer multigene panel testing and individuals affected with biliary tract cancer and familial colorectal carcinoma (example, Sapari_2014, Kwong_2020, Okawa_2023, Lee_2024). These reports do not provide unequivocal conclusions about association of the variant with Familial Adenomatous Polyposis. To our knowledge, no experimental evidence demonstrating an impact on protein function has been reported. The following publications have been ascertained in the context of this evaluation (PMID: 32068069, 38522067, 36243179, 25338684). ClinVar contains an entry for this variant (Variation ID: 233448). Based on the evidence outlined above, the variant was classified as uncertain significance.

Labcorp Genetics (formerly Invitae), Labcorp
Classification: Uncertain significance for Familial adenomatous polyposis 1. Last evaluated: 2026-01-31. Review status: criteria provided, single submitter. Criteria: Invitae Variant Classification Sherloc (09022015). Collection method: clinical testing. Allele origin: germline.
Comment: This sequence change replaces arginine, which is basic and polar, with glutamine, which is neutral and polar, at codon 564 of the APC protein (p.Arg564Gln). This variant is present in population databases (rs747418061, gnomAD 0.03%). This missense change has been observed in individual(s) with breast and/or ovarian cancer (PMID: 32068069). ClinVar contains an entry for this variant (Variation ID: 233448). Invitae Evidence Modeling of protein sequence and biophysical properties (such as structural, functional, and spatial information, amino acid conservation, physicochemical variation, residue mobility, and thermodynamic stability) indicates that this missense variant is not expected to disrupt APC protein function with a negative predictive value of 95%. In summary, the available evidence is currently insufficient to determine the role of this variant in disease. Therefore, it has been classified as a Variant of Uncertain Significance.

Color Diagnostics, LLC DBA Color Health
Classification: Likely benign for Hereditary cancer-predisposing syndrome. Last evaluated: 2025-05-05. Review status: criteria provided, single submitter. Criteria: ACMG Guidelines, 2015. Collection method: clinical testing. Allele origin: germline.

Myriad Genetics, Inc.
Classification: Likely benign for Familial adenomatous polyposis 1. Last evaluated: 2025-01-29. Review status: criteria provided, single submitter. Criteria: Myriad Autosomal Dominant, Autosomal Recessive and X-Linked Classification Criteria (2023). Collection method: clinical testing. Allele origin: unknown.
Comment: This variant is considered likely benign. This variant has been observed at a population frequency that is significantly greater than expected given the associated disease prevalence and penetrance.

Department of Pathology and Laboratory Medicine, Sinai Health System
Classification: Uncertain significance for classic or attenuated familial adenomatous polyposis. Last evaluated: 2024-10-09. Review status: criteria provided, single submitter. Criteria: ACMG Guidelines, 2015. Collection method: clinical testing. Allele origin: germline.

Baylor Genetics
Classification: Uncertain significance for Familial adenomatous polyposis 1. Last evaluated: 2024-03-05. Review status: criteria provided, single submitter. Criteria: ACMG Guidelines, 2015. Collection method: clinical testing. Allele origin: unknown.

All of Us Research Program, National Institutes of Health
Classification: Uncertain significance for Classic or attenuated familial adenomatous polyposis. Last evaluated: 2023-06-15. Review status: criteria provided, single submitter. Criteria: ACMG Guidelines, 2015. Collection method: clinical testing. Allele origin: germline. Inheritance: Autosomal dominant inheritance. Observed: 3 variant alleles, 3 heterozygotes.
Comment: This missense variant replaces arginine with glutamine at codon 564 of the APC protein. Computational prediction is inconclusive regarding the impact of this variant on protein structure and function (internally defined REVEL score threshold 0.5 < inconclusive < 0.7, PMID: 27666373). To our knowledge, functional studies have not been reported for this variant. This variant has been reported in individuals affected with breast cancer (PMID: 32068069) and suspected of having Lynch syndrome (PMID: 25338684). This variant has been identified in 8/251308 chromosomes in the general population by the Genome Aggregation Database (gnomAD) and in control individuals (PMID: 32980694). The available evidence is insufficient to determine the role of this variant in disease conclusively. Therefore, this variant is classified as a Variant of Uncertain Significance.

This study involves interpretation of variants in research participants for the purpose of population health screening. Participant phenotype was not available at the time of variant classification. Additional details can be found in publication PMID: 35346344, PMCID: PMC8962531

GeneDx
Classification: Uncertain significance. Last evaluated: 2023-04-05. Review status: criteria provided, single submitter. Criteria: GeneDx Variant Classification Process June 2021. Collection method: clinical testing. Allele origin: germline. Affected: yes.
Comment: In silico analysis supports that this missense variant has a deleterious effect on protein structure/function; Identified in patients with breast and/or ovarian cancer (Kwong et al., 2020); This variant is associated with the following publications: (PMID: 25338684, 18199528, 32068069)

Ambry Genetics
Classification: Likely benign for Hereditary cancer-predisposing syndrome. Last evaluated: 2021-07-21. Review status: criteria provided, single submitter. Criteria: Ambry Variant Classification Scheme 2023. Collection method: clinical testing. Allele origin: germline.

Literature cited by the submitters: PubMed 25338684 (cited by 3 submitters); PubMed 32068069 (cited by 4 submitters); PubMed 36243179 (cited by Women's Health and Genetics/Laboratory Corporation of America, LabCorp); PubMed 38522067 (cited by Women's Health and Genetics/Laboratory Corporation of America, LabCorp); PubMed 32980694 (cited by All of Us Research Program, National Institutes of Health).